The following is an entry in ClinVar:

NM_005477.3(HCN4):c.411_412delinsTC (p.Ser138Pro)

Gene: HCN4 (hyperpolarization activated cyclic nucleotide gated potassium channel 4; minus strand). Cytogenetic location: 15q24.1.
Variant type: Indel.
Coding change: c.411_412delinsTC on transcript NM_005477.3 (MANE Select); coding-DNA positions 411 to 412, GT replaced by TC.
Protein change: p.Ser138Pro; replaces serine 138 with proline.
Molecular consequence: missense variant.
Genome position (GRCh38, 1-based): chr15:73,367,859-73,367,860, AC replaced by GA on the plus strand (GT replaced by TC on the coding strand, the reverse complement: HCN4 is on the minus strand). VCF-style: chr15-73367859-AC-GA. GRCh37 (hg19) VCF-style: chr15-73660200-AC-GA.
Other names: short protein forms S138P.
Identifiers: ClinVar variation 2986835 (VCV002986835.3), dbSNP rs2549080392, ClinGen allele CA2740096731.

ClinVar aggregate classification (germline): Uncertain significance (1 of 4 stars; one submission).

Conditions:
Brugada syndrome 8 (BRGDA8). Identifiers: Orphanet 130, MedGen C2751083, MONDO:0013148, OMIM 613123.

Submission:

Labcorp Genetics (formerly Invitae), Labcorp
Classification: Uncertain significance for Brugada syndrome 8. Last evaluated: 2023-02-22. Review status: criteria provided, single submitter. Criteria: Invitae Variant Classification Sherloc (09022015). Collection method: clinical testing. Allele origin: germline.
Comment: In summary, the available evidence is currently insufficient to determine the role of this variant in disease. Therefore, it has been classified as a Variant of Uncertain Significance. Experimental studies and prediction algorithms are not available or were not evaluated, and the functional significance of this variant is currently unknown. This variant has not been reported in the literature in individuals affected with HCN4-related conditions. Information on the frequency of this variant in the gnomAD database is not available, as this variant may be reported differently in the database. This sequence change replaces serine, which is neutral and polar, with proline, which is neutral and non-polar, at codon 138 of the HCN4 protein (p.Ser138Pro).